The following is an entry in ClinVar:

ClinVar aggregate classification (germline): Uncertain significance. Review status: criteria provided, multiple submitters, no conflicts (2 of 4 stars). 2 submissions from 2 submitters: Uncertain significance (2). Last evaluated 2024-01-11.

Conditions:
Hereditary cancer-predisposing syndrome. Also called: Hereditary Cancer Syndrome; Neoplastic Syndromes, Hereditary; Tumor predisposition; Hereditary neoplastic syndrome. Identifiers: Orphanet 140162, MedGen C0027672, MeSH D009386, MONDO:0015356.

Allele frequency attached by ClinVar (database versions not stated): gnomAD exomes 0.00001.
gnomAD v4.1: 6 of 1,614,080 alleles (0.00037%); highest among the groups gnomAD compares: Non-Finnish European, 0.00051%; no homozygotes.

Submissions (2):

Ambry Genetics
Classification: Uncertain significance for Hereditary cancer-predisposing syndrome. Last evaluated: 2024-01-11. Review status: criteria provided, single submitter. Criteria: Ambry Variant Classification Scheme 2023. Collection method: clinical testing. Allele origin: germline.
Comment: The p.E1784Q variant (also known as c.5350G>C), located in coding exon 39 of the POLE gene, results from a G to C substitution at nucleotide position 5350. The glutamic acid at codon 1784 is replaced by glutamine, an amino acid with highly similar properties. This amino acid position is conserved. In addition, the in silico prediction for this alteration is inconclusive. Since supporting evidence is limited at this time, the clinical significance of this alteration remains unclear.

Labcorp Genetics (formerly Invitae), Labcorp
Classification: Uncertain significance. Last evaluated: 2023-01-13. Review status: criteria provided, single submitter. Criteria: Invitae Variant Classification Sherloc (09022015). Collection method: clinical testing. Allele origin: germline.
Comment: In summary, the available evidence is currently insufficient to determine the role of this variant in disease. Therefore, it has been classified as a Variant of Uncertain Significance. Advanced modeling of protein sequence and biophysical properties (such as structural, functional, and spatial information, amino acid conservation, physicochemical variation, residue mobility, and thermodynamic stability) performed at Invitae indicates that this missense variant is not expected to disrupt POLE protein function. This variant has not been reported in the literature in individuals affected with POLE-related conditions. This variant is not present in population databases (gnomAD no frequency). This sequence change replaces glutamic acid, which is acidic and polar, with glutamine, which is neutral and polar, at codon 1784 of the POLE protein (p.Glu1784Gln).

NM_006231.4(POLE):c.5350G>C (p.Glu1784Gln)

Gene: POLE (DNA polymerase epsilon, catalytic subunit; minus strand). Cytogenetic location: 12q24.33.
Variant type: single nucleotide variant.
Coding change: c.5350G>C on transcript NM_006231.4 (MANE Select); coding-DNA position 5350, G replaced by C.
Protein change: p.Glu1784Gln; replaces glutamic acid 1784 with glutamine.
Molecular consequence: missense variant.
Genome position (GRCh38, 1-based): chr12:132,641,675, C>G on the plus strand (G>C on the coding strand, the complement: POLE is on the minus strand). VCF-style: chr12-132641675-C-G. GRCh37 (hg19) VCF-style: chr12-133218261-C-G.
Other names: c.5350G>C (NM_006231.2); short protein forms E1784Q.
Identifiers: ClinVar variation 2798207 (VCV002798207.4), dbSNP rs1555222266, ClinGen allele CA387375779.